The following is an entry in ClinVar:

ClinVar aggregate classification (germline): Likely benign (1 of 4 stars; one submission).

Conditions:
Peutz-Jeghers syndrome (PJS). Also called: POLYPOSIS, HAMARTOMATOUS INTESTINAL; POLYPS-AND-SPOTS SYNDROME; Peutz-Jeghers polyposis; Periorificial lentiginosis syndrome. Identifiers: Orphanet 2869, MedGen C0031269, MeSH D010580, MONDO:0008280, OMIM 175200.

Submission:

Myriad Genetics, Inc.
Classification: Likely benign for Peutz-Jeghers syndrome. Last evaluated: 2025-03-27. Review status: criteria provided, single submitter. Criteria: Myriad Autosomal Dominant, Autosomal Recessive and X-Linked Classification Criteria (2023). Collection method: clinical testing. Allele origin: unknown.
Comment: This variant is considered likely benign. This variant is intronic and is not expected to impact mRNA splicing.

NM_000455.5(STK11):c.862+10T>G

Gene: STK11 (serine/threonine kinase 11; plus strand). Cytogenetic location: 19p13.3.
Variant type: single nucleotide variant.
Coding change: c.862+10T>G on transcript NM_000455.5 (MANE Select); 10 bases into the intron after coding-DNA position 862, T replaced by G.
Molecular consequence: intron variant.
Genome position (GRCh38, 1-based): chr19:1,221,350, T>G. VCF-style: chr19-1221350-T-G. GRCh37 (hg19) VCF-style: chr19-1221349-T-G.
Other names: c.862+10T>G (NM_001407255.1).
Identifiers: ClinVar variation 3904170 (VCV003904170.1).